The following is an entry in ClinVar:

NM_002439.5(MSH3):c.893T>C (p.Val298Ala)

Gene: MSH3 (mutS homolog 3; plus strand). Cytogenetic location: 5q14.1.
Variant type: single nucleotide variant.
Coding change: c.893T>C on transcript NM_002439.5 (MANE Select); coding-DNA position 893, T replaced by C.
Protein change: p.Val298Ala; replaces valine 298 with alanine.
Molecular consequence: missense variant.
Genome position (GRCh38, 1-based): chr5:80,672,344, T>C. VCF-style: chr5-80672344-T-C. GRCh37 (hg19) VCF-style: chr5-79968163-T-C.
Other names: short protein forms V298A.
Identifiers: ClinVar variation 1765189 (VCV001765189.7), dbSNP rs2546722461, ClinGen allele CA360267265.

ClinVar aggregate classification (germline): Uncertain significance. Review status: criteria provided, multiple submitters, no conflicts (2 of 4 stars). 2 submissions from 2 submitters: Uncertain significance (2). Last evaluated 2022-07-19.

Conditions:
Hereditary cancer-predisposing syndrome. Also called: Neoplastic Syndromes, Hereditary; Tumor predisposition; Hereditary Cancer Syndrome; Hereditary neoplastic syndrome. Identifiers: Orphanet 140162, MedGen C0027672, MeSH D009386, MONDO:0015356.

Submissions (2):

Labcorp Genetics (formerly Invitae), Labcorp
Classification: Uncertain significance. Last evaluated: 2022-07-19. Review status: criteria provided, single submitter. Criteria: Invitae Variant Classification Sherloc (09022015). Collection method: clinical testing. Allele origin: germline.
Comment: In summary, the available evidence is currently insufficient to determine the role of this variant in disease. Therefore, it has been classified as a Variant of Uncertain Significance. Algorithms developed to predict the effect of missense changes on protein structure and function (SIFT, PolyPhen-2, Align-GVGD) all suggest that this variant is likely to be disruptive. This variant has not been reported in the literature in individuals affected with MSH3-related conditions. This variant is not present in population databases (gnomAD no frequency). This sequence change replaces valine, which is neutral and non-polar, with alanine, which is neutral and non-polar, at codon 298 of the MSH3 protein (p.Val298Ala).

Ambry Genetics
Classification: Uncertain significance for Hereditary cancer-predisposing syndrome. Last evaluated: 2021-03-30. Review status: criteria provided, single submitter. Criteria: Ambry Variant Classification Scheme 2023. Collection method: clinical testing. Allele origin: germline.
Comment: The p.V298A variant (also known as c.893T>C), located in coding exon 5 of the MSH3 gene, results from a T to C substitution at nucleotide position 893. The valine at codon 298 is replaced by alanine, an amino acid with similar properties. This amino acid position is highly conserved in available vertebrate species. In addition, this alteration is predicted to be deleterious by in silico analysis. Since supporting evidence is limited at this time, the clinical significance of this alteration remains unclear.